The following is an entry in ClinVar:

ClinVar aggregate classification (germline): Uncertain significance (1 of 4 stars; one submission).

gnomAD v4.1: 1 of 1,614,116 alleles (0.000062%); highest among the groups gnomAD compares: African/African-American, 0.0013%; no homozygotes.

Submission:

Ambry Genetics
Classification: Uncertain significance. Last evaluated: 2024-10-15. Review status: criteria provided, single submitter. Criteria: Ambry Variant Classification Scheme 2023. Collection method: clinical testing. Allele origin: germline.
Comment: The p.S1587C variant (also known as c.4760C>G), located in coding exon 42 of the KIF1B gene, results from a C to G substitution at nucleotide position 4760. The serine at codon 1587 is replaced by cysteine, an amino acid with dissimilar properties. This amino acid position is conserved. In addition, this alteration is predicted to be tolerated by in silico analysis. Based on the available evidence, the clinical significance of this variant remains unclear.

NM_001365951.3(KIF1B):c.4898C>G (p.Ser1633Cys)

Gene: KIF1B (kinesin family member 1B; plus strand). Cytogenetic location: 1p36.22.
Variant type: single nucleotide variant.
Coding change: c.4898C>G on transcript NM_001365951.3 (MANE Select); coding-DNA position 4898, C replaced by G.
Protein change: p.Ser1633Cys; replaces serine 1633 with cysteine.
Molecular consequence: missense variant.
Genome position (GRCh38, 1-based): chr1:10,371,214, C>G. VCF-style: chr1-10371214-C-G. GRCh37 (hg19) VCF-style: chr1-10431272-C-G.
Other names: c.4898C>G, p.Ser1633Cys (NM_001365952.1); c.4760C>G, p.Ser1587Cys (NM_015074.3); short protein forms S1587C, S1633C.
Identifiers: ClinVar variation 3534046 (VCV003534046.1).
Genomic context (GRCh38, chr1:10,371,214, plus strand): 5'-CTCCAATTGGACGGGATCCCTCTGAGTCCAGTTTCAGCAGTGCCACCCTCACTCCCTCCT[C>G]CACCTGTCCCTCTCTGGTAGACTCTAGGAGCAACTCTCTGGATCAGAAGTAAGTACCCAG-3'
Protein context (NP_001352880.1, residues 1623-1643): SFSSATLTPS[Ser1633Cys]TCPSLVDSRS